The following is an entry in ClinVar:

NM_015971.4(MRPS7):c.66T>C (p.Ala22=)

Genes: GGA3 (golgi associated, gamma adaptin ear containing, ARF binding protein 3; minus strand), MRPS7 (mitochondrial ribosomal protein S7; plus strand). Cytogenetic location: 17q25.1.
Variant type: single nucleotide variant.
Coding change: c.66T>C on transcript NM_015971.4 (MANE Select); coding-DNA position 66, T replaced by C.
Protein change: p.Ala22=; no amino-acid change (alanine 22 retained).
Molecular consequence: synonymous variant. On other transcripts: intron variant (2).
Genome position (GRCh38, 1-based): chr17:75,261,966, T>C. VCF-style: chr17-75261966-T-C. GRCh37 (hg19) VCF-style: chr17-73258047-T-C.
Other names: c.-228+316A>G (NM_001172704.3); c.-177+316A>G (NM_001172703.3).
Identifiers: ClinVar variation 511632 (VCV000511632.23), dbSNP rs148641206, ClinGen allele CA8760183.

ClinVar aggregate classification (germline): Likely benign. Review status: criteria provided, multiple submitters, no conflicts (2 of 4 stars). 4 submissions from 4 submitters: Likely benign (3). 1 of the submissions does not count toward it. Last evaluated 2024-07-01.

Conditions:
MRPS7-related disorder. Also called: MRPS7-related condition.

Allele frequency attached by ClinVar (database versions not stated): ExAC 0.00004; gnomAD exomes 0.00007 and 0.00031; gnomAD 0.00016; TOPMed 0.00014; ESP Exome Variant Server 0.00015.
gnomAD v4.1: 478 of 1,605,550 alleles (0.03%); highest among the groups gnomAD compares: Non-Finnish European, 0.038%; 1 homozygote.

Submissions (4):

CeGaT Center for Human Genetics Tuebingen
Classification: Likely benign. Last evaluated: 2024-07-01. Review status: criteria provided, single submitter. Criteria: CeGaT Center For Human Genetics Tuebingen Variant Classification Criteria Version 2. Collection method: clinical testing. Allele origin: germline. Affected: yes. Observed: 1 variant allele.
Comment: MRPS7: BP4, BP7

Labcorp Genetics (formerly Invitae), Labcorp
Classification: Likely benign. Last evaluated: 2022-11-11. Review status: criteria provided, single submitter. Criteria: Invitae Variant Classification Sherloc (09022015). Collection method: clinical testing. Allele origin: germline.

GeneDx
Classification: Likely benign. Last evaluated: 2017-09-07. Review status: criteria provided, single submitter. Criteria: GeneDx Variant Classification (06012015). Collection method: clinical testing. Allele origin: germline. Affected: yes.
Comment: This variant is considered likely benign or benign based on one or more of the following criteria: it is a conservative change, it occurs at a poorly conserved position in the protein, it is predicted to be benign by multiple in silico algorithms, and/or has population frequency not consistent with disease.

PreventionGenetics, part of Exact Sciences
Classification: Likely benign for MRPS7-related condition. Last evaluated: 2022-08-26. Review status: no assertion criteria provided. Collection method: clinical testing. Allele origin: germline. Not counted in ClinVar's aggregate classification.
Comment: This variant is classified as likely benign based on ACMG/AMP sequence variant interpretation guidelines (Richards et al. 2015 PMID: 25741868, with internal and published modifications).